The following is an entry in ClinVar:

ClinVar aggregate classification (germline): Likely benign (1 of 4 stars; one submission).

gnomAD v4.1: 445 of 1,559,400 alleles (0.029%); highest among the groups gnomAD compares: South Asian, 0.076%; 1 homozygote.

Submission:

CeGaT Center for Human Genetics Tuebingen
Classification: Likely benign. Last evaluated: 2026-08-01. Review status: criteria provided, single submitter. Criteria: CeGaT Center For Human Genetics Tuebingen Variant Classification Criteria Version 2. Collection method: clinical testing. Allele origin: germline. Affected: yes. Observed: 2 variant alleles.
Comment: ZBTB47: BP4, BP7

NM_145166.4(ZBTB47):c.2065C>T (p.Leu689=)

Gene: ZBTB47 (zinc finger and BTB domain containing 47; plus strand). Cytogenetic location: 3p22.1.
Variant type: single nucleotide variant.
Coding change: c.2065C>T on transcript NM_145166.4 (MANE Select); coding-DNA position 2065, C replaced by T.
Protein change: p.Leu689=; no amino-acid change (leucine 689 retained).
Molecular consequence: synonymous variant.
Genome position (GRCh38, 1-based): chr3:42,664,419, C>T. VCF-style: chr3-42664419-C-T. GRCh37 (hg19) VCF-style: chr3-42705911-C-T.
Other names: c.2149C>T, p.Leu717= (NM_001410746.1).
Identifiers: ClinVar variation 5038672 (VCV005038672.1).